The following is an entry in ClinVar:

ClinVar aggregate classification (germline): Uncertain significance (0 of 4 stars; one submission).

Conditions:
IFT172-related disorder. Also called: IFT172-related disorders; IFT172-related condition.

gnomAD v4.1: 19 of 1,614,016 alleles (0.0012%); highest among the groups gnomAD compares: Non-Finnish European, 0.0014%; no homozygotes.

Submission:

PreventionGenetics, part of Exact Sciences
Classification: Uncertain significance for IFT172-related condition. Last evaluated: 2024-08-12. Review status: no assertion criteria provided. Collection method: clinical testing. Allele origin: germline.
Comment: The IFT172 c.2521G>A variant is predicted to result in the amino acid substitution p.Ala841Thr. This variant occurs at the last nucleotide position of exon 23 and is predicted to alter splicing based on available splicing prediction programs (SpliceAI, Jaganathan et al. 2019. PubMed ID: 30661751). To our knowledge, this variant has not been reported in the literature. This variant is reported in 0.00088% of alleles in individuals of European (Non-Finnish) descent in gnomAD. At this time, the clinical significance of this variant is uncertain due to the absence of conclusive functional and genetic evidence.

NM_015662.3(IFT172):c.2521G>A (p.Ala841Thr)

Gene: IFT172 (intraflagellar transport 172; minus strand). Cytogenetic location: 2p23.3.
Variant type: single nucleotide variant.
Coding change: c.2521G>A on transcript NM_015662.3 (MANE Select); coding-DNA position 2521, G replaced by A.
Protein change: p.Ala841Thr; replaces alanine 841 with threonine.
Molecular consequence: missense variant.
Genome position (GRCh38, 1-based): chr2:27,461,015, C>T on the plus strand (G>A on the coding strand, the complement: IFT172 is on the minus strand). VCF-style: chr2-27461015-C-T. GRCh37 (hg19) VCF-style: chr2-27683882-C-T.
Other names: c.2455G>A, p.Ala819Thr (NM_001410739.1); short protein forms A819T, A841T.
Identifiers: ClinVar variation 3356583 (VCV003356583.1).